The following is an entry in ClinVar:

ClinVar aggregate classification (germline): Uncertain significance (1 of 4 stars; one submission).

Conditions:
Hereditary cancer-predisposing syndrome. Also called: Neoplastic Syndromes, Hereditary; Tumor predisposition; Hereditary Cancer Syndrome; Hereditary neoplastic syndrome. Identifiers: Orphanet 140162, MedGen C0027672, MeSH D009386, MONDO:0015356.

gnomAD v4.1: 2 of 1,614,118 alleles (0.00012%); highest among the groups gnomAD compares: Non-Finnish European, 0.00017%; no homozygotes.

Submission:

Ambry Genetics
Classification: Uncertain significance for Hereditary cancer-predisposing syndrome. Last evaluated: 2024-05-18. Review status: criteria provided, single submitter. Criteria: Ambry Variant Classification Scheme 2023. Collection method: clinical testing. Allele origin: germline.
Comment: The p.N3044D variant (also known as c.9130A>G), located in coding exon 62 of the ATM gene, results from an A to G substitution at nucleotide position 9130. The asparagine at codon 3044 is replaced by aspartic acid, an amino acid with highly similar properties. This amino acid position is conserved. In addition, the in silico prediction for this alteration is inconclusive. Based on the available evidence, the clinical significance of this variant remains unclear.

NM_000051.4(ATM):c.9130A>G (p.Asn3044Asp)

Genes: ATM (ATM serine/threonine kinase; plus strand), C11orf65 (chromosome 11 open reading frame 65; minus strand). Cytogenetic location: 11q22.3.
Variant type: single nucleotide variant.
Coding change: c.9130A>G on transcript NM_000051.4 (MANE Select); coding-DNA position 9130, A replaced by G.
Protein change: p.Asn3044Asp; replaces asparagine 3044 with aspartic acid.
Molecular consequence: missense variant. On other transcripts: intron variant (2).
Genome position (GRCh38, 1-based): chr11:108,365,467, A>G. VCF-style: chr11-108365467-A-G. GRCh37 (hg19) VCF-style: chr11-108236194-A-G.
Other names: c.9130A>G, p.Asn3044Asp (NM_001351834.2); c.640+20453T>C (NM_001330368.2); c.694+20453T>C (NM_001351110.2); short protein forms N3044D.
Identifiers: ClinVar variation 3326249 (VCV003326249.1).